The following is an entry in ClinVar:

ClinVar aggregate classification (germline): Uncertain significance (0 of 4 stars; one submission).

Conditions:
KMT2D-related disorder. Also called: KMT2D-Related Disorders.

Allele frequency attached by ClinVar (database versions not stated): gnomAD exomes below 0.00001; TOPMed below 0.00001.
gnomAD v4.1: 4 of 1,537,486 alleles (0.00026%); highest among the groups gnomAD compares: African/African-American, 0.0041%; no homozygotes.

Submission:

PreventionGenetics, part of Exact Sciences
Classification: Uncertain significance for KMT2D-related condition. Last evaluated: 2023-10-24. Review status: no assertion criteria provided. Collection method: clinical testing. Allele origin: germline.
Comment: The KMT2D c.12781C>G variant is predicted to result in the amino acid substitution p.Pro4261Ala. To our knowledge, this variant has not been reported in the literature or in a large population database, indicating this variant is rare. At this time, the clinical significance of this variant is uncertain due to the absence of conclusive functional and genetic evidence.

NM_003482.4(KMT2D):c.12781C>G (p.Pro4261Ala)

Gene: KMT2D (lysine methyltransferase 2D; minus strand). Cytogenetic location: 12q13.12.
Variant type: single nucleotide variant.
Coding change: c.12781C>G on transcript NM_003482.4 (MANE Select); coding-DNA position 12781, C replaced by G.
Protein change: p.Pro4261Ala; replaces proline 4261 with alanine.
Molecular consequence: missense variant.
Genome position (GRCh38, 1-based): chr12:49,031,924, G>C on the plus strand (C>G on the coding strand, the complement: KMT2D is on the minus strand). VCF-style: chr12-49031924-G-C. GRCh37 (hg19) VCF-style: chr12-49425707-G-C.
Other names: short protein forms P4261A.
Identifiers: ClinVar variation 3031940 (VCV003031940.2), dbSNP rs1942936934, ClinGen allele CA384709291.